The following is an entry in ClinVar:

ClinVar aggregate classification (germline): Uncertain significance (1 of 4 stars; one submission).

Allele frequency attached by ClinVar (database versions not stated): gnomAD exomes below 0.00001; TOPMed 0.00001.
gnomAD v4.1: 1 of 1,614,154 alleles (0.000062%); highest among the groups gnomAD compares: East Asian, 0.0022%; no homozygotes.

Submission:

Labcorp Genetics (formerly Invitae), Labcorp
Classification: Uncertain significance. Last evaluated: 2023-03-17. Review status: criteria provided, single submitter. Criteria: Invitae Variant Classification Sherloc (09022015). Collection method: clinical testing. Allele origin: germline.
Comment: Advanced modeling of protein sequence and biophysical properties (such as structural, functional, and spatial information, amino acid conservation, physicochemical variation, residue mobility, and thermodynamic stability) performed at Invitae indicates that this missense variant is not expected to disrupt COL4A2 protein function. This sequence change replaces threonine, which is neutral and polar, with isoleucine, which is neutral and non-polar, at codon 1096 of the COL4A2 protein (p.Thr1096Ile). This variant is not present in population databases (gnomAD no frequency). This variant has not been reported in the literature in individuals affected with COL4A2-related conditions. In summary, the available evidence is currently insufficient to determine the role of this variant in disease. Therefore, it has been classified as a Variant of Uncertain Significance.

NM_001846.4(COL4A2):c.3287C>T (p.Thr1096Ile)

Gene: COL4A2 (collagen type IV alpha 2 chain; plus strand). Cytogenetic location: 13q34.
Variant type: single nucleotide variant.
Coding change: c.3287C>T on transcript NM_001846.4 (MANE Select); coding-DNA position 3287, C replaced by T.
Protein change: p.Thr1096Ile; replaces threonine 1096 with isoleucine.
Molecular consequence: missense variant.
Genome position (GRCh38, 1-based): chr13:110,489,726, C>T. VCF-style: chr13-110489726-C-T. GRCh37 (hg19) VCF-style: chr13-111142073-C-T.
Other names: short protein forms T1096I.
Identifiers: ClinVar variation 2959798 (VCV002959798.3), dbSNP rs1883222359, ClinGen allele CA388730996.